The following is an entry in ClinVar:

NM_000051.4(ATM):c.2495G>A (p.Arg832His)

Gene: ATM (ATM serine/threonine kinase; plus strand). Cytogenetic location: 11q22.3.
Variant type: single nucleotide variant.
Coding change: c.2495G>A on transcript NM_000051.4 (MANE Select); coding-DNA position 2495, G replaced by A.
Protein change: p.Arg832His; replaces arginine 832 with histidine.
Molecular consequence: missense variant.
Genome position (GRCh38, 1-based): chr11:108,267,199, G>A. VCF-style: chr11-108267199-G-A. GRCh37 (hg19) VCF-style: chr11-108137926-G-A.
Other names: c.2495G>A, p.Arg832His (NM_001351834.2); short protein forms R832H.
Identifiers: ClinVar variation 141644 (VCV000141644.39), dbSNP rs199875915, ClinGen allele CA166023.

ClinVar aggregate classification (germline): Conflicting classifications of pathogenicity. Review status: criteria provided, conflicting classifications (1 of 4 stars). 8 submissions from 8 submitters: Uncertain significance (4); Likely benign (3). 1 of the submissions does not count toward it. Last evaluated 2026-08-19.

Conditions:
Hereditary cancer-predisposing syndrome. Also called: Neoplastic Syndromes, Hereditary; Hereditary Cancer Syndrome; Tumor predisposition; Hereditary neoplastic syndrome. Identifiers: Orphanet 140162, MedGen C0027672, MeSH D009386, MONDO:0015356.
Hereditary breast ovarian cancer syndrome. Also called: BRCA1- and BRCA2-Associated Hereditary Breast and Ovarian Cancer; Hereditary breast and ovarian cancer; Hereditary breast and ovarian cancer syndrome; Hereditary breast and ovarian cancer syndrome (HBOC); Hereditary breast and/or ovarian cancer syndrome; Breast and ovarian cancer. Identifiers: Orphanet 145, MedGen C0677776, MeSH D061325, MONDO:0003582. Disease mechanism: loss of function.
Ataxia-telangiectasia syndrome (AT). Also called: LOUIS-BAR SYNDROME; Cerebello-oculocutaneous telangiectasia; Immunodeficiency with ataxia telangiectasia; Ataxia-telangiectasia, complementation group D; AT, COMPLEMENTATION GROUP C; ATAXIA-TELANGIECTASIA, COMPLEMENTATION GROUP A. Identifiers: Orphanet 100, MedGen C0004135, MONDO:0008840, OMIM 208900.

Allele frequency attached by ClinVar (database versions not stated): 1000 Genomes Project 0.00020; 1000 Genomes Project 30x 0.00016; gnomAD 0.00019.
gnomAD v4.1: 30 of 1,614,034 alleles (0.0019%); highest among the groups gnomAD compares: East Asian, 0.011%; no homozygotes.

Submissions (8):

GeneDx
Classification: Uncertain significance. Last evaluated: 2026-08-19. Review status: criteria provided, single submitter. Criteria: GeneDx Variant Classification Process June 2021. Collection method: clinical testing. Allele origin: germline.
Comment: Not observed at significant frequency in large population cohorts (gnomAD); In silico analysis suggests that this missense variant does not alter protein structure/function; This variant is associated with the following publications: (PMID: 27149842, 28652578, 30287823, 33471991, 20305132, 33588785, 32980694, 33309985)

Labcorp Genetics (formerly Invitae), Labcorp
Classification: Likely benign for Ataxia-telangiectasia syndrome. Last evaluated: 2026-01-28. Review status: criteria provided, single submitter. Criteria: Invitae Variant Classification Sherloc (09022015). Collection method: clinical testing. Allele origin: germline.

Ambry Genetics
Classification: Likely benign for Hereditary cancer-predisposing syndrome. Last evaluated: 2025-09-08. Review status: criteria provided, single submitter. Criteria: Ambry Variant Classification Scheme 2023. Collection method: clinical testing. Allele origin: germline.

German Consortium for Hereditary Breast and Ovarian Cancer, University Hospital Cologne
Classification: Uncertain significance for Hereditary breast ovarian cancer syndrome. Last evaluated: 2024-05-14. Review status: criteria provided, single submitter. Criteria: ClinGen ATM V1.1.0. Collection method: curation. Allele origin: germline.
Comment: According to the ClinGen ACMG ATM v1.1.0 criteria we chose this criterion: BP4 (supporting benign): REVEL 0.023, SpliceAI 0.0

Sema4
Classification: Uncertain significance for Hereditary cancer-predisposing syndrome. Last evaluated: 2022-02-16. Review status: criteria provided, single submitter. Criteria: Sema4 Curation Guidelines. Collection method: curation. Allele origin: germline.
Comment: The ATM c.2495G>A (p.R832H) variant has been reported in individuals with breast, colorectal and urothelial cancer (PMID: 33471991, 20305132, 33309985, 33588785), but has also been identified in multiple healthy controls (PMID: 33471991, 30287823, 28652578, 32980694, 33309985). This variant was observed in 12/282782 chromosomes in the large and broad cohorts of the Genome Aggregation Database (PMID: 32461654). This variant has been reported in ClinVar (Variation ID 141644). In silico tools suggest the impact of the variant on protein function is benign, though these predictions have not been confirmed by functional studies. The evidence is insufficient to meet ACMG/AMP criteria for classifying the variant as benign or pathogenic. Thus, the clinical significance of this variant is currently uncertain.

Color Diagnostics, LLC DBA Color Health
Classification: Likely benign for Hereditary cancer-predisposing syndrome. Last evaluated: 2021-10-06. Review status: criteria provided, single submitter. Criteria: ACMG Guidelines, 2015. Collection method: clinical testing. Allele origin: germline.

Women's Health and Genetics/Laboratory Corporation of America, LabCorp
Classification: Uncertain significance. Last evaluated: 2020-02-07. Review status: criteria provided, single submitter. Criteria: LabCorp Variant Classification Summary - May 2015. Collection method: clinical testing. Allele origin: germline.
Comment: Variant summary: ATM c.2495G>A (p.Arg832His) results in a non-conservative amino acid change in the encoded protein sequence. Four of five in-silico tools predict a benign effect of the variant on protein function. The variant allele was found at a frequency of 4.5e-05 in 291700 control chromosomes (gnomAD and literature.) This frequency is not significantly higher than expected for a pathogenic variant in ATM causing Breast Cancer (4.5e-05 vs 0.001), allowing no conclusion about variant significance. c.2495G>A has been reported in the literature in at least one individual affected with Breast Cancer without strong evidence for causality (Bernstein_2010). The variant has also been detected in healthy controls (e.g. Tiao_2017, Momozawa_2018). A large case-control study found no association for the variant with breast cancer (Momozawa_2018). These reports do not provide unequivocal conclusions about association of the variant with Breast Cancer. To our knowledge, no experimental evidence demonstrating an impact on protein function has been reported. Four other clinical diagnostic laboratories have submitted clinical-significance assessments for this variant to ClinVar after 2014 without evidence for independent evaluation. All laboratories cited the variant as uncertain significance. Based on the evidence outlined above, the variant was classified as uncertain significance.

Natera, Inc.
Classification: Uncertain significance for Ataxia-telangiectasia. Last evaluated: 2020-02-13. Review status: no assertion criteria provided. Collection method: clinical testing. Allele origin: germline. Not counted in ClinVar's aggregate classification.

Literature cited by the submitters: PubMed 20305132 (cited by 3 submitters); PubMed 28652578 (cited by 3 submitters); PubMed 30287823 (cited by 3 submitters); PubMed 33309985 (cited by Ambry Genetics and Sema4); PubMed 33471991 (cited by Sema4); PubMed 33588785 (cited by Sema4); PubMed 32980694 (cited by Sema4); PubMed 27149842 (cited by Women's Health and Genetics/Laboratory Corporation of America, LabCorp).